The following is an entry in ClinVar:

NM_182972.3(IRF2BP2):c.1334A>C (p.Asn445Thr)

Gene: IRF2BP2 (interferon regulatory factor 2 binding protein 2; minus strand). Cytogenetic location: 1q42.3.
Variant type: single nucleotide variant.
Coding change: c.1334A>C on transcript NM_182972.3 (MANE Select); coding-DNA position 1334, A replaced by C.
Protein change: p.Asn445Thr; replaces asparagine 445 with threonine.
Molecular consequence: missense variant.
Genome position (GRCh38, 1-based): chr1:234,607,567, T>G on the plus strand (A>C on the coding strand, the complement: IRF2BP2 is on the minus strand). VCF-style: chr1-234607567-T-G. GRCh37 (hg19) VCF-style: chr1-234743313-T-G.
Other names: c.1286A>C, p.Asn429Thr (NM_001077397.1); short protein forms N445T, N429T.
Identifiers: ClinVar variation 2983650 (VCV002983650.3), dbSNP rs201835390, ClinGen allele CA1461584.
Genomic context (GRCh38, chr1:234,607,567, plus strand): 5'-TTCATAGAGGACGGAGAGGGCGGACTGTTGCTATTCCTCCTGGTAGTGGAGTGAACCTGG[T>G]TGGCATCTTTTGAGGCATGACTGCCCCCTGCATTGTCTGCTACTAAGATCAGGGCTGCCA-3'
Protein context (NP_892017.2, residues 435-455): AGGSHASKDA[Asn445Thr]QVHSTTRRNS

ClinVar aggregate classification (germline): Uncertain significance (1 of 4 stars; one submission).

Submission:

Labcorp Genetics (formerly Invitae), Labcorp
Classification: Uncertain significance. Last evaluated: 2025-08-18. Review status: criteria provided, single submitter. Criteria: Invitae Variant Classification Sherloc (09022015). Collection method: clinical testing. Allele origin: germline.
Comment: This sequence change replaces asparagine, which is neutral and polar, with threonine, which is neutral and polar, at codon 445 of the IRF2BP2 protein (p.Asn445Thr). This variant is present in population databases (rs201835390, gnomAD 0.01%). This variant has not been reported in the literature in individuals affected with IRF2BP2-related conditions. ClinVar contains an entry for this variant (Variation ID: 2983650). An algorithm developed to predict the effect of missense changes on protein structure and function outputs the following: PolyPhen-2: "Benign". The threonine amino acid residue is found in multiple mammalian species, which suggests that this missense change does not adversely affect protein function. In summary, the available evidence is currently insufficient to determine the role of this variant in disease. Therefore, it has been classified as a Variant of Uncertain Significance.